The following is an entry in ClinVar:

ClinVar aggregate classification (germline): Uncertain significance. Review status: criteria provided, multiple submitters, no conflicts (2 of 4 stars). 2 submissions from 2 submitters: Uncertain significance (2). Last evaluated 2025-02-24.

Allele frequency attached by ClinVar (database versions not stated): gnomAD exomes below 0.00001; ExAC 0.00001.

Submissions (2):

Women's Health and Genetics/Laboratory Corporation of America, LabCorp
Classification: Uncertain significance. Last evaluated: 2025-02-24. Review status: criteria provided, single submitter. Criteria: LabCorp Variant Classification Summary - May 2015. Collection method: clinical testing. Allele origin: germline.
Comment: Variant summary: MYO7A c.2210A>G (p.Glu737Gly) results in a non-conservative amino acid change in the encoded protein sequence. Five of five in-silico tools predict a damaging effect of the variant on protein function. The variant allele was found at a frequency of 8.1e-06 in 245686 control chromosomes (gnomAD). The available data on variant occurrences in the general population are insufficient to allow any conclusion about variant significance. c.2210A>G has been reported in the literature in individuals affected with Usher Syndrome (e.g. Bonnet_2016, Weisschuh_2024). These data do not allow any conclusion about variant significance. To our knowledge, no experimental evidence demonstrating an impact on protein function has been reported. The following publications have been ascertained in the context of this evaluation (PMID: 27460420, 37734845). ClinVar contains an entry for this variant (Variation ID: 2137203). Based on the evidence outlined above, the variant was classified as uncertain significance.

Labcorp Genetics (formerly Invitae), Labcorp
Classification: Uncertain significance. Last evaluated: 2022-06-08. Review status: criteria provided, single submitter. Criteria: Invitae Variant Classification Sherloc (09022015). Collection method: clinical testing. Allele origin: germline.
Comment: This missense change has been observed in individual(s) with Usher syndrome (PMID: 27460420). In summary, the available evidence is currently insufficient to determine the role of this variant in disease. Therefore, it has been classified as a Variant of Uncertain Significance. Advanced modeling of protein sequence and biophysical properties (such as structural, functional, and spatial information, amino acid conservation, physicochemical variation, residue mobility, and thermodynamic stability) performed at Invitae indicates that this missense variant is expected to disrupt MYO7A protein function. The frequency data for this variant in the population databases is considered unreliable, as metrics indicate poor data quality at this position in the gnomAD database. This sequence change replaces glutamic acid, which is acidic and polar, with glycine, which is neutral and non-polar, at codon 737 of the MYO7A protein (p.Glu737Gly).

Literature cited by the submitters: PubMed 27460420 (cited by Women's Health and Genetics/Laboratory Corporation of America, LabCorp and Labcorp Genetics (formerly Invitae), Labcorp); PubMed 37734845 (cited by Women's Health and Genetics/Laboratory Corporation of America, LabCorp).

NM_000260.4(MYO7A):c.2210A>G (p.Glu737Gly)

Gene: MYO7A (myosin VIIA; plus strand). Cytogenetic location: 11q13.5.
Variant type: single nucleotide variant.
Coding change: c.2210A>G on transcript NM_000260.4 (MANE Select); coding-DNA position 2210, A replaced by G.
Protein change: p.Glu737Gly; replaces glutamic acid 737 with glycine.
Molecular consequence: missense variant.
Genome position (GRCh38, 1-based): chr11:77,177,571, A>G. VCF-style: chr11-77177571-A-G. GRCh37 (hg19) VCF-style: chr11-76888617-A-G.
Other names: c.2210A>G, p.Glu737Gly (NM_001127180.2); c.2177A>G, p.Glu726Gly (NM_001369365.1); short protein forms E726G, E737G.
Identifiers: ClinVar variation 2137203 (VCV002137203.5), dbSNP rs782595324, ClinGen allele CA6197761.